The following is an entry in ClinVar:

ClinVar aggregate classification (germline): Uncertain significance. Review status: criteria provided, multiple submitters, no conflicts (2 of 4 stars). 2 submissions from 2 submitters: Uncertain significance (2). Last evaluated 2025-09-27.

Conditions:
Inborn genetic diseases. Identifiers: MedGen C0950123, MeSH D030342.

Allele frequency attached by ClinVar (database versions not stated): gnomAD exomes below 0.00001.
gnomAD v4.1: 6 of 1,613,368 alleles (0.00037%); highest among the groups gnomAD compares: African/African-American, 0.0027%; no homozygotes.

Submissions (2):

Ambry Genetics
Classification: Uncertain significance for Inborn genetic diseases. Last evaluated: 2025-09-27. Review status: criteria provided, single submitter. Criteria: Ambry Variant Classification Scheme 2023. Collection method: clinical testing. Allele origin: germline.

Labcorp Genetics (formerly Invitae), Labcorp
Classification: Uncertain significance. Last evaluated: 2022-02-20. Review status: criteria provided, single submitter. Criteria: Invitae Variant Classification Sherloc (09022015). Collection method: clinical testing. Allele origin: germline.
Comment: This sequence change replaces threonine, which is neutral and polar, with arginine, which is basic and polar, at codon 417 of the ERCC6L2 protein (p.Thr417Arg). This variant is not present in population databases (gnomAD no frequency). This variant has not been reported in the literature in individuals affected with ERCC6L2-related conditions. Algorithms developed to predict the effect of missense changes on protein structure and function are either unavailable or do not agree on the potential impact of this missense change (SIFT: "Deleterious"; PolyPhen-2: "Not Available"; Align-GVGD: "Class C0"). In summary, the available evidence is currently insufficient to determine the role of this variant in disease. Therefore, it has been classified as a Variant of Uncertain Significance.

NM_020207.7(ERCC6L2):c.1217C>G (p.Thr406Arg)

Gene: ERCC6L2 (ERCC excision repair 6 like 2; plus strand). Cytogenetic location: 9q22.32.
Variant type: single nucleotide variant.
Coding change: c.1217C>G on transcript NM_020207.7 (MANE Select); coding-DNA position 1217, C replaced by G.
Protein change: p.Thr406Arg; replaces threonine 406 with arginine.
Molecular consequence: missense variant. On other transcripts: non-coding transcript variant (1).
Genome position (GRCh38, 1-based): chr9:95,921,233, C>G. VCF-style: chr9-95921233-C-G. GRCh37 (hg19) VCF-style: chr9-98683515-C-G.
Other names: c.1217C>G, p.Thr406Arg (NM_001010895.4, NM_001375291.1, NM_001375292.1 and 2 more transcripts); short protein forms T406R.
Identifiers: ClinVar variation 2148357 (VCV002148357.3), dbSNP rs1829855430, ClinGen allele CA374123675.
Genomic context (GRCh38, chr9:95,921,233, plus strand): 5'-AGATGGTGTATTGTTCTTTGACAGATTTCCAGAAAGCTGTCTATCAAACAGTGTTAGAAA[C>G]AGAGGACGTGACTTTGATACTTCAATCTTCTGAGCCTTGTACCTGTAGGAGTGGCCAAAA-3'
Protein context (NP_064592.3, residues 396-416): QKAVYQTVLE[Thr406Arg]EDVTLILQSS